The following is an entry in ClinVar:

ClinVar aggregate classification (germline): Uncertain significance (1 of 4 stars; one submission).

Conditions:
Hereditary spastic paraplegia 50 (SPG50). Also called: Spastic paraplegia 50, autosomal recessive. Identifiers: Orphanet 280763, MedGen C2752008, MONDO:0013048, OMIM 612936.

Submission:

Labcorp Genetics (formerly Invitae), Labcorp
Classification: Uncertain significance for Hereditary spastic paraplegia 50. Last evaluated: 2022-09-01. Review status: criteria provided, single submitter. Criteria: Invitae Variant Classification Sherloc (09022015). Collection method: clinical testing. Allele origin: germline.
Comment: In summary, the available evidence is currently insufficient to determine the role of this variant in disease. Therefore, it has been classified as a Variant of Uncertain Significance. Algorithms developed to predict the effect of missense changes on protein structure and function (SIFT, PolyPhen-2, Align-GVGD) all suggest that this variant is likely to be tolerated. ClinVar contains an entry for this variant (Variation ID: 1449622). This variant has not been reported in the literature in individuals affected with AP4M1-related conditions. This variant is not present in population databases (gnomAD no frequency). This sequence change replaces serine, which is neutral and polar, with asparagine, which is neutral and polar, at codon 151 of the AP4M1 protein (p.Ser151Asn).

NM_004722.4(AP4M1):c.452G>A (p.Ser151Asn)

Gene: AP4M1 (adaptor related protein complex 4 subunit mu 1; plus strand). Cytogenetic location: 7q22.1.
Variant type: single nucleotide variant.
Coding change: c.452G>A on transcript NM_004722.4 (MANE Select); coding-DNA position 452, G replaced by A.
Protein change: p.Ser151Asn; replaces serine 151 with asparagine.
Molecular consequence: missense variant.
Genome position (GRCh38, 1-based): chr7:100,103,509, G>A. VCF-style: chr7-100103509-G-A. GRCh37 (hg19) VCF-style: chr7-99701132-G-A.
Other names: c.473G>A, p.Ser158Asn (NM_001363671.2); short protein forms S151N, S158N.
Identifiers: ClinVar variation 1449622 (VCV001449622.7), dbSNP rs1028824532, ClinGen allele CA368467666.
Genomic context (GRCh38, chr7:100,103,509, plus strand): 5'-GGAATTTCATCCAGACGGAAGCTGTGGTCAGCAAGCCCTTCAGCCTCTTTGACCTCAGCA[G>A]CGTTGGCTTGGTCAGTAGAGGGAAAGAGGAGGGTGAGGAAAGAGAAGAGGGGTTGGCTGG-3'
Protein context (NP_004713.2, residues 141-161): SKPFSLFDLS[Ser151Asn]VGLFGAETQQ